The following is an entry in ClinVar:

ClinVar aggregate classification (germline): Conflicting classifications of pathogenicity. Review status: criteria provided, conflicting classifications (1 of 4 stars). 5 submissions from 5 submitters: Pathogenic (2); Likely pathogenic (2); Uncertain significance (1). Last evaluated 2025-06-11.

Conditions:
Retinitis pigmentosa (RP). Identifiers: Orphanet 791, MedGen C0035334, MeSH D012174, MONDO:0019200, OMIM 268000. Inheritance: Autosomal dominant, autosomal recessive and X linked inheritance.
Retinitis pigmentosa 49 (RP49). Identifiers: Orphanet 791, MedGen C3151059, MONDO:0013405, OMIM 613756.
CNGA1-related disorder. Also called: CNGA1-related condition.

Allele frequency attached by ClinVar (database versions not stated): ExAC 0.00001; gnomAD 0.00002 and 0.00003; gnomAD exomes 0.00002 and 0.00003; TOPMed 0.00002.
gnomAD v4.1: 49 of 1,614,052 alleles (0.003%); highest among the groups gnomAD compares: East Asian, 0.027%; no homozygotes.

Submissions (5):

Women's Health and Genetics/Laboratory Corporation of America, LabCorp
Classification: Pathogenic for Retinitis pigmentosa. Last evaluated: 2025-06-11. Review status: criteria provided, single submitter. Criteria: LabCorp Variant Classification Summary - May 2015. Collection method: clinical testing. Allele origin: germline.
Comment: Variant summary: CNGA1 c.1915C>T (p.Arg639X) is located in the last exon, and results in a premature termination codon that is not expected to cause nonsense mediated decay (NMD), removing a part of the 686 amino acid long protein, which affects the C-terminal leucine zipper (CLZ) domain (amino acids 591-660; IPR032406). The variant allele was found at a frequency of 3e-05 in 1607080 control chromosomes. This frequency is not significantly higher than estimated for a pathogenic variant in CNGA1 causing Retinitis Pigmentosa (0.00088), allowing no conclusion about variant significance. The variant, c.1915C>T, has been observed in an individual affected with Retinitis Pigmentosa (Kim_2021, Kim_2021b), who carried a second pathogenic variant. To our knowledge, no experimental evidence demonstrating an impact on protein function has been reported. However, a different variant located downstream from our position (i.e. c.1960delA; p.Arg654Aspfs*2) has been determined to be pathogenic internally (PMID: 7479749), suggesting that the deleted protein region is clinically significant. The following publications have been ascertained in the context of this evaluation (PMID: 33946315, 34721897). ClinVar contains an entry for this variant (Variation ID: 631945). Based on the evidence outlined above, the variant was classified as pathogenic.

Labcorp Genetics (formerly Invitae), Labcorp
Classification: Pathogenic. Last evaluated: 2025-05-05. Review status: criteria provided, single submitter. Criteria: Invitae Variant Classification Sherloc (09022015). Collection method: clinical testing. Allele origin: germline.
Comment: This sequence change creates a premature translational stop signal (p.Arg643*) in the CNGA1 gene. While this is not anticipated to result in nonsense mediated decay, it is expected to disrupt the last 48 amino acid(s) of the CNGA1 protein. This variant is present in population databases (rs750954043, gnomAD 0.01%). This variant has not been reported in the literature in individuals affected with CNGA1-related conditions. ClinVar contains an entry for this variant (Variation ID: 631945). This variant disrupts a region of the CNGA1 protein in which other variant(s) (p.Arg658Aspfs*2) have been determined to be pathogenic (PMID: 7479749, 24265693). This suggests that this is a clinically significant region of the protein, and that variants that disrupt it are likely to be disease-causing. For these reasons, this variant has been classified as Pathogenic.

Fulgent Genetics
Classification: Likely pathogenic for Retinitis pigmentosa 49. Last evaluated: 2024-02-23. Review status: criteria provided, single submitter. Criteria: ACMG Guidelines, 2015. Collection method: clinical testing. Allele origin: germline.

GeneDx
Classification: Uncertain significance. Last evaluated: 2023-06-20. Review status: criteria provided, single submitter. Criteria: GeneDx Variant Classification Process June 2021. Collection method: clinical testing. Allele origin: germline. Affected: yes.
Comment: Observed in the heterozygous state in a cohort of patients with retinitis pigmentosa in the literature, although additional information was not provided (Kim et al., 2021); Nonsense variant in the C-terminus predicted to result in protein truncation, as the last 48 amino acids are lost, and other loss-of-function variants have been reported downstream in the Human Gene Mutation Database (HGMD); This variant is associated with the following publications: (PMID: 33946315, 34721897)

Blueprint Genetics
Classification: Likely pathogenic for CNGA1-related disorders. Last evaluated: 2023-04-17. Review status: criteria provided, single submitter. Criteria: ACMG Guidelines, 2015. Collection method: clinical testing. Allele origin: germline. Affected: yes. Observed: 5 variant alleles.

Literature cited by the submitters: PubMed 33946315 (cited by Women's Health and Genetics/Laboratory Corporation of America, LabCorp); PubMed 34721897 (cited by Women's Health and Genetics/Laboratory Corporation of America, LabCorp); PubMed 7479749 (cited by Labcorp Genetics (formerly Invitae), Labcorp); PubMed 24265693 (cited by Labcorp Genetics (formerly Invitae), Labcorp).

NM_001379270.1(CNGA1):c.1915C>T (p.Arg639Ter)

Genes: CNGA1 (cyclic nucleotide gated channel subunit alpha 1; minus strand), LOC101927157 (uncharacterized LOC101927157; plus strand). Cytogenetic location: 4p12.
Variant type: single nucleotide variant.
Coding change: c.1915C>T on transcript NM_001379270.1 (MANE Select); coding-DNA position 1915, C replaced by T.
Protein change: p.Arg639Ter; replaces arginine 639 with a stop codon.
Molecular consequence: nonsense.
Genome position (GRCh38, 1-based): chr4:47,936,567, G>A on the plus strand (C>T on the coding strand, the complement: CNGA1 is on the minus strand). VCF-style: chr4-47936567-G-A. GRCh37 (hg19) VCF-style: chr4-47938584-G-A.
Other names: c.1915C>T, p.Arg639Ter (NM_000087.5, NM_001142564.2); short protein forms R639*.
Identifiers: ClinVar variation 631945 (VCV000631945.49), dbSNP rs750954043, ClinGen allele CA2910997.